The following is an entry in ClinVar:

NM_001077653.2(TBX20):c.839A>G (p.Asn280Ser)

Gene: TBX20 (T-box transcription factor 20; minus strand). Cytogenetic location: 7p14.2.
Variant type: single nucleotide variant.
Coding change: c.839A>G on transcript NM_001077653.2 (MANE Select); coding-DNA position 839, A replaced by G.
Protein change: p.Asn280Ser; replaces asparagine 280 with serine.
Molecular consequence: missense variant.
Genome position (GRCh38, 1-based): chr7:35,231,555, T>C on the plus strand (A>G on the coding strand, the complement: TBX20 is on the minus strand). VCF-style: chr7-35231555-T-C. GRCh37 (hg19) VCF-style: chr7-35271167-T-C.
Other names: c.839A>G, p.Asn280Ser (NM_001166220.1); short protein forms N280S.
Identifiers: ClinVar variation 3665715 (VCV003665715.2).
Genomic context (GRCh38, chr7:35,231,555, plus strand): 5'-TCTCATTACCTCTCAATGTCAGTGAGCCTGGAGGAATCCCGGAATCCTTTGGCAAAAGGA[T>C]TGCTATCTATTTTCAGCTTCGTTATCTGGAGAAAGAATGGGTACAAAACAGTATCATTTA-3'
Protein context (NP_001071121.1, residues 270-290): QLITKLKIDS[Asn280Ser]PFAKGFRDSS

ClinVar aggregate classification (germline): Uncertain significance (1 of 4 stars; one submission).

Submission:

Labcorp Genetics (formerly Invitae), Labcorp
Classification: Uncertain significance. Last evaluated: 2025-02-02. Review status: criteria provided, single submitter. Criteria: Invitae Variant Classification Sherloc (09022015). Collection method: clinical testing. Allele origin: germline.
Comment: This sequence change replaces asparagine, which is neutral and polar, with serine, which is neutral and polar, at codon 280 of the TBX20 protein (p.Asn280Ser). This variant is not present in population databases (gnomAD no frequency). This variant has not been reported in the literature in individuals affected with TBX20-related conditions. Invitae Evidence Modeling of protein sequence and biophysical properties (such as structural, functional, and spatial information, amino acid conservation, physicochemical variation, residue mobility, and thermodynamic stability) indicates that this missense variant is expected to disrupt TBX20 protein function with a positive predictive value of 80%. In summary, the available evidence is currently insufficient to determine the role of this variant in disease. Therefore, it has been classified as a Variant of Uncertain Significance.